The following is an entry in ClinVar:

NM_000136.3(FANCC):c.974C>T (p.Ala325Val)

Genes: AOPEP (aminopeptidase O (putative); plus strand), FANCC (FA complementation group C; minus strand). Cytogenetic location: 9q22.32.
Variant type: single nucleotide variant.
Coding change: c.974C>T on transcript NM_000136.3 (MANE Select); coding-DNA position 974, C replaced by T.
Protein change: p.Ala325Val; replaces alanine 325 with valine.
Molecular consequence: missense variant.
Genome position (GRCh38, 1-based): chr9:95,125,108, G>A on the plus strand (C>T on the coding strand, the complement: FANCC is on the minus strand). VCF-style: chr9-95125108-G-A. GRCh37 (hg19) VCF-style: chr9-97887390-G-A.
Other names: p.A325V:GCT>GTT; c.974C>T, p.Ala325Val (NM_001243743.2, NM_001243744.2); short protein forms A325V.
Identifiers: ClinVar variation 127551 (VCV000127551.28), dbSNP rs367618818, ClinGen allele CA287242.

ClinVar aggregate classification (germline): Uncertain significance. Review status: criteria provided, multiple submitters, no conflicts (2 of 4 stars). 7 submissions from 7 submitters: Uncertain significance (6). 1 of the submissions does not count toward it. Last evaluated 2025-06-13.

Conditions:
Hereditary cancer-predisposing syndrome. Also called: Hereditary Cancer Syndrome; Hereditary neoplastic syndrome; Tumor predisposition; Neoplastic Syndromes, Hereditary. Identifiers: Orphanet 140162, MedGen C0027672, MeSH D009386, MONDO:0015356.
Fanconi anemia (FA). Also called: Fanconi's anemia. Identifiers: Orphanet 84, MedGen C0015625, MeSH D005199, MONDO:0019391.
Fanconi anemia complementation group C (FANCC). Also called: FANCONI PANCYTOPENIA, TYPE 3; FACC; FANCC-Related Fanconi Anemia; Fanconi anemia, group C. Identifiers: Orphanet 84, MedGen C3468041, MONDO:0009213, OMIM 227645.

Allele frequency attached by ClinVar (database versions not stated): gnomAD exomes 0.00001; ExAC 0.00003; gnomAD 0.00005 and 0.00006; TOPMed 0.00007; ESP Exome Variant Server 0.00015.
gnomAD v4.1: 22 of 1,614,034 alleles (0.0014%); highest among the groups gnomAD compares: African/African-American, 0.024%; no homozygotes.

Submissions (7):

Quest Diagnostics Nichols Institute San Juan Capistrano
Classification: Uncertain significance. Last evaluated: 2025-06-13. Review status: criteria provided, single submitter. Criteria: Quest Diagnostics criteria. Collection method: clinical testing. Allele origin: unknown.
Comment: The FANCC c.974C>T (p.Ala325Val) variant has not been reported in individuals with FANCC-related conditions in the published literature. The frequency of this variant in the general population (Genome Aggregation Database) is uninformative in the assessment of its pathogenicity. Analysis of this variant using bioinformatics tools for the prediction of the effect of amino acid changes on protein structure and function yielded conflicting predictions that this variant is benign or damaging. Based on the available information, we are unable to determine the clinical significance of this variant.

GeneDx
Classification: Uncertain significance. Last evaluated: 2024-08-26. Review status: criteria provided, single submitter. Criteria: GeneDx Variant Classification Process June 2021. Collection method: clinical testing. Allele origin: germline. Affected: yes.
Comment: In silico analysis indicates that this missense variant does not alter protein structure/function; Has not been previously published as pathogenic or benign to our knowledge; This variant is associated with the following publications: (PMID: Gordon2000[Book])

Fulgent Genetics
Classification: Uncertain significance for Fanconi anemia complementation group C. Last evaluated: 2024-03-28. Review status: criteria provided, single submitter. Criteria: ACMG Guidelines, 2015. Collection method: clinical testing. Allele origin: germline.

Ambry Genetics
Classification: Uncertain significance for Hereditary cancer-predisposing syndrome. Last evaluated: 2023-12-08. Review status: criteria provided, single submitter. Criteria: Ambry Variant Classification Scheme 2023. Collection method: clinical testing. Allele origin: germline.
Comment: The p.A325V variant (also known as c.974C>T), located in coding exon 9 of the FANCC gene, results from a C to T substitution at nucleotide position 974. The alanine at codon 325 is replaced by valine, an amino acid with similar properties. This amino acid position is well conserved in available vertebrate species. In addition, this alteration is predicted to be tolerated by in silico analysis. Since supporting evidence is limited at this time, the clinical significance of this alteration remains unclear.

Labcorp Genetics (formerly Invitae), Labcorp
Classification: Uncertain significance for Fanconi anemia. Last evaluated: 2022-08-23. Review status: criteria provided, single submitter. Criteria: Invitae Variant Classification Sherloc (09022015). Collection method: clinical testing. Allele origin: germline.
Comment: This sequence change replaces alanine, which is neutral and non-polar, with valine, which is neutral and non-polar, at codon 325 of the FANCC protein (p.Ala325Val). This variant is present in population databases (rs367618818, gnomAD 0.04%). This variant has not been reported in the literature in individuals affected with FANCC-related conditions. ClinVar contains an entry for this variant (Variation ID: 127551). Algorithms developed to predict the effect of missense changes on protein structure and function are either unavailable or do not agree on the potential impact of this missense change (SIFT: "Tolerated"; PolyPhen-2: "Possibly Damaging"; Align-GVGD: "Class C0"). In summary, the available evidence is currently insufficient to determine the role of this variant in disease. Therefore, it has been classified as a Variant of Uncertain Significance.

Genetic Services Laboratory, University of Chicago
Classification: Uncertain significance. Last evaluated: 2020-02-14. Review status: criteria provided, single submitter. Criteria: ACMG Guidelines, 2015. Collection method: clinical testing. Allele origin: germline. Affected: no.
Comment: DNA sequence analysis of the FANCC gene demonstrated a sequence change, c.974C>T, in exon 10 that results in an amino acid change, p.Ala325Val. This sequence change does not appear to have been previously described in patients with FANCC-related disorders and has been described in the gnomAD database with a frequency of 0.03% in the African sub-population (dbSNP rs367618818). The p.Ala325Val change affects a moderately conserved amino acid residue located in a domain of the FANCC protein that is known to be functional. In-silico pathogenicity prediction tools (SIFT, PolyPhen2, Align GVGD, REVEL) provide contradictory results for the p.Ala325Val substitution. Due to these contrasting evidences and the lack of functional studies, the clinical significance of the p.Ala325Val change remains unknown at this time.

Natera, Inc.
Classification: Uncertain significance for Fanconi anemia. Last evaluated: 2018-08-09. Review status: no assertion criteria provided. Collection method: clinical testing. Allele origin: germline. Not counted in ClinVar's aggregate classification.